The following is an entry in ClinVar:

NM_000156.6(GAMT):c.328-2A>G

Gene: GAMT (guanidinoacetate N-methyltransferase; minus strand). Cytogenetic location: 19p13.3.
Variant type: single nucleotide variant.
Coding change: c.328-2A>G on transcript NM_000156.6 (MANE Select); the canonical splice acceptor site of the intron before coding-DNA position 328, A replaced by G.
Molecular consequence: splice acceptor variant.
Genome position (GRCh38, 1-based): chr19:1,399,589, T>C on the plus strand (A>G on the coding strand, the complement: GAMT is on the minus strand). VCF-style: chr19-1399589-T-C. GRCh37 (hg19) VCF-style: chr19-1399588-T-C.
Other names: c.328-2A>G (NM_138924.3).
Identifiers: ClinVar variation 854099 (VCV000854099.12), dbSNP rs2082621259, ClinGen allele CA402995925.

ClinVar aggregate classification (germline): Pathogenic. Review status: reviewed by expert panel (3 of 4 stars). 4 submissions from 4 submitters: Pathogenic (1). 3 of the submissions do not count toward it. Last evaluated 2023-12-14.

Conditions:
Deficiency of guanidinoacetate methyltransferase (CCDS2). Also called: Guanidinoacetate Methyltransferase (GAMT) Deficiency; GAMT DEFICIENCY; CEREBRAL CREATINE DEFICIENCY SYNDROME 2. Identifiers: Orphanet 382, MedGen C0574080, MONDO:0012999, OMIM 612736.
Cerebral creatine deficiency syndrome. Also called: Creatine deficiency syndromes. Identifiers: Orphanet 79172, MedGen C5244016, MONDO:0000456.

Allele frequency attached by ClinVar (database versions not stated): gnomAD exomes below 0.00001; TOPMed below 0.00001.

Submissions (4):

ClinGen Cerebral Creatine Deficiency Syndromes Variant Curation Expert Panel, ClinGen
Classification: Pathogenic for Deficiency of guanidinoacetate methyltransferase. Last evaluated: 2023-12-14. Review status: reviewed by expert panel. Criteria: ClinGen_CCDS_ACMG_Specifications_GAMT_v1.1. Collection method: curation. Allele origin: germline. Inheritance: Autosomal recessive inheritance.
Comment: The NM_000156.6:c.328-2A>G variant in GAMT occurs within the canonical splice acceptor site of intron 2. It is predicted to cause skipping of the biologically relevant exon 3/6, resulting in a frameshift leading to nonsense mediated decay in a gene in which loss-of-function is an established disease mechanism (PVS1). This variant meets PM2_Supporting using the gnomAD v4 dataset. An individual with clinical symptoms consistent with GAMT deficiency, including increased GAA levels in blood and a decreased brain creatine peak via MRS, was reported who was compound heterozygous for this variant and another GAMT variant, c.115A>G (PMID:37305710) (PP4_Strong). PM3 was not applied to the compound heterozygote (c.328-2A>G; c.115A>G(p.Lys39Glu)) in PMID37305710 as the allelic data from this patient will be used in the assessment of c.115A>G(p.Lys39Glu) and is not included here to avoid circular logic. There is a ClinVar entry for this variant (Variation ID: 854099). In summary, this variant meets the criteria to be classified as Pathogenic for GAMT deficiency as specified by the ClinGen CCDS Variant Curation Expert Panel (Specifications Version 1.1.0), PM2_Supporting, PVS1, PP4_Strong. (Classification approved by the ClinGen CCDS VCEP on December 14, 2023)

Natera, Inc.
Classification: Pathogenic for Guanidinoacetate methyltransferase deficiency. Last evaluated: 2025-12-15. Review status: criteria provided, single submitter. Criteria: Natera Variant Classification Schema (03/2026). Collection method: clinical testing. Allele origin: germline. Not counted in ClinVar's aggregate classification.
Comment: The c.328-2A>G variant in GAMT is a canonical splice acceptor site variant predicted to affect pre-mRNA splicing, which may result in an abnormal transcript and altered protein product. This variant is expected to result in nonsense mediated decay, truncation, or a dysfunctional protein product. This variant is rare in the general population with a frequency below the threshold expected for the associated phenotype(s). Another variant at this same site results in an alteration predicted to cause a similar molecular effect has been observed in individual(s) with the associated phenotype. Given the available evidence, this variant is classified as Pathogenic.

Labcorp Genetics (formerly Invitae), Labcorp
Classification: Likely pathogenic for Cerebral creatine deficiency syndrome. Last evaluated: 2023-11-02. Review status: criteria provided, single submitter. Criteria: Invitae Variant Classification Sherloc (09022015). Collection method: clinical testing. Allele origin: germline. Not counted in ClinVar's aggregate classification.
Comment: This sequence change affects an acceptor splice site in intron 2 of the GAMT gene. It is expected to disrupt RNA splicing. Variants that disrupt the donor or acceptor splice site typically lead to a loss of protein function (PMID: 16199547), and loss-of-function variants in GAMT are known to be pathogenic (PMID: 15108290). This variant is not present in population databases (gnomAD no frequency). This variant has not been reported in the literature in individuals affected with GAMT-related conditions. ClinVar contains an entry for this variant (Variation ID: 854099). Algorithms developed to predict the effect of sequence changes on RNA splicing suggest that this variant may disrupt the consensus splice site. In summary, the currently available evidence indicates that the variant is pathogenic, but additional data are needed to prove that conclusively. Therefore, this variant has been classified as Likely Pathogenic.

Juno Genomics, Hangzhou Juno Genomics, Inc
Classification: Pathogenic for Deficiency of guanidinoacetate methyltransferase. Review status: criteria provided, single submitter. Criteria: ACMG Guidelines, 2015. Collection method: clinical testing. Allele origin: germline. Not counted in ClinVar's aggregate classification.
Comment: Absent from controls (or at extremely low frequency if recessive) in Genome Aggregation Database.;Null variant in a gene where loss of function (LOF) is a known mechanism of disease.;For recessive disorders, detected in trans with a pathogenic variant.;Patient's phenotype or family history is highly specific for a disease with a single genetic etiology.

Literature cited by the submitters: PubMed 16199547 (cited by Labcorp Genetics (formerly Invitae), Labcorp); PubMed 15108290 (cited by Labcorp Genetics (formerly Invitae), Labcorp).